The following is an entry in ClinVar:

NM_001142800.2(EYS):c.986dup (p.Gly329_Glu330insTer)

Gene: EYS (EGF-like photoreceptor maintenance factor; minus strand). Cytogenetic location: 6q12.
Variant type: Duplication.
Coding change: c.986dup on transcript NM_001142800.2 (MANE Select); coding-DNA position 986, one base duplicated (G; older notation c.986dupG).
Protein change: p.Gly329_Glu330insTer.
Molecular consequence: frameshift variant.
Genome position (GRCh38, 1-based): chr6:65,405,244, C duplicated on the plus strand (G on the coding strand, the reverse complement: EYS is on the minus strand); the first of 2 consecutive C bases (chr6:65,405,244-65,405,245); duplicating either gives the same sequence. VCF-style (leftmost placement, unchanged base first): chr6-65405243-A-AC. GRCh37 (hg19) VCF-style: chr6-66115136-A-AC.
Other names: c.986dup, p.Gly329_Glu330insTer (NM_001142801.2, NM_001292009.2, NM_198283.2).
Identifiers: ClinVar variation 4067654 (VCV004067654.2).

ClinVar aggregate classification (germline): Likely pathogenic (1 of 4 stars; one submission).

Conditions:
Retinitis pigmentosa 25 (RP25). Identifiers: Orphanet 791, MedGen C1864446, MONDO:0011272, OMIM 602772.

Submission:

Natera, Inc.
Classification: Likely pathogenic for Retinitis pigmentosa type 25. Last evaluated: 2025-04-03. Review status: criteria provided, single submitter. Criteria: Natera Variant Classification Schema (03/2026). Collection method: clinical testing. Allele origin: germline.
Comment: The c.986dup variant in EYS is a frameshift variant predicted to shift the reading frame and introduce a stop codon. This variant is expected to result in nonsense mediated decay, truncation, or a dysfunctional protein product. This variant is rare in the general population with a frequency below the threshold expected for the associated phenotype(s). Given the available evidence, this variant is classified as Likely Pathogenic.